The following is an entry in ClinVar:

ClinVar aggregate classification (germline): Uncertain significance. Review status: criteria provided, multiple submitters, no conflicts (2 of 4 stars). 3 submissions from 3 submitters: Uncertain significance (3). Last evaluated 2025-05-19.

Conditions:
Inborn genetic diseases. Identifiers: MedGen C0950123, MeSH D030342.
Fanconi anemia (FA). Also called: Fanconi's anemia. Identifiers: Orphanet 84, MedGen C0015625, MeSH D005199, MONDO:0019391.

Allele frequency attached by ClinVar (database versions not stated): gnomAD exomes below 0.00001; TOPMed below 0.00001; gnomAD 0.00001.
gnomAD v4.1: 5 of 1,608,848 alleles (0.00031%); highest among the groups gnomAD compares: Non-Finnish European, 0.00034%; no homozygotes.

Submissions (3):

Ambry Genetics
Classification: Uncertain significance for Inborn genetic diseases. Last evaluated: 2025-05-19. Review status: criteria provided, single submitter. Criteria: Ambry Variant Classification Scheme 2023. Collection method: clinical testing. Allele origin: germline.
Comment: The p.I612T variant (also known as c.1835T>C), located in coding exon 11 of the FANCM gene, results from a T to C substitution at nucleotide position 1835. The isoleucine at codon 612 is replaced by threonine, an amino acid with similar properties. This amino acid position is conserved. In addition, this alteration is predicted to be tolerated by in silico analysis. Based on the available evidence, the clinical significance of this variant remains unclear.

Labcorp Genetics (formerly Invitae), Labcorp
Classification: Uncertain significance for Fanconi anemia. Last evaluated: 2025-03-11. Review status: criteria provided, single submitter. Criteria: Invitae Variant Classification Sherloc (09022015). Collection method: clinical testing. Allele origin: germline.
Comment: This sequence change replaces isoleucine, which is neutral and non-polar, with threonine, which is neutral and polar, at codon 612 of the FANCM protein (p.Ile612Thr). This variant is not present in population databases (gnomAD no frequency). This variant has not been reported in the literature in individuals affected with FANCM-related conditions. ClinVar contains an entry for this variant (Variation ID: 2579904). An algorithm developed to predict the effect of missense changes on protein structure and function (PolyPhen-2) suggests that this variant is likely to be disruptive. In summary, the available evidence is currently insufficient to determine the role of this variant in disease. Therefore, it has been classified as a Variant of Uncertain Significance.

GeneDx
Classification: Uncertain significance. Last evaluated: 2023-03-14. Review status: criteria provided, single submitter. Criteria: GeneDx Variant Classification Process June 2021. Collection method: clinical testing. Allele origin: germline. Affected: yes.
Comment: Not observed at significant frequency in large population cohorts (gnomAD); In silico analysis supports that this missense variant has a deleterious effect on protein structure/function; Has not been previously published as pathogenic or benign to our knowledge

NM_020937.4(FANCM):c.1835T>C (p.Ile612Thr)

Gene: FANCM (FA complementation group M; plus strand). Cytogenetic location: 14q21.2.
Variant type: single nucleotide variant.
Coding change: c.1835T>C on transcript NM_020937.4 (MANE Select); coding-DNA position 1835, T replaced by C.
Protein change: p.Ile612Thr; replaces isoleucine 612 with threonine.
Molecular consequence: missense variant.
Genome position (GRCh38, 1-based): chr14:45,166,996, T>C. VCF-style: chr14-45166996-T-C. GRCh37 (hg19) VCF-style: chr14-45636199-T-C.
Other names: c.1757T>C, p.Ile586Thr (NM_001308133.2); c.1835T>C, p.Ile612Thr (NM_001308134.2); short protein forms I586T, I612T.
Identifiers: ClinVar variation 2579904 (VCV002579904.3), dbSNP rs1888024251, ClinGen allele CA389594875.